The following is an entry in ClinVar:

NM_017636.4(TRPM4):c.269TCC[1] (p.Leu91del)

Gene: TRPM4 (transient receptor potential cation channel subfamily M member 4; plus strand). Cytogenetic location: 19q13.33.
Variant type: Microsatellite.
Coding change: c.269TCC[1] on transcript NM_017636.4 (MANE Select); one copy of the 3-base unit TCC starting at c.269; the reference has two copies in a row; one copy, 3 bases deleted; also written c.272_274del.
Protein change: p.Leu91del; deletes leucine 91.
Molecular consequence: inframe deletion. On other transcripts: intron variant (4).
Genome position (GRCh38, 1-based): chr19:49,167,921-49,167,923, TCC deleted; deleting any 3 consecutive bases within chr19:49,167,918-49,167,923 gives the same sequence; the position shown is the placement nearest the transcript's 3' end. VCF-style (leftmost placement, unchanged base first): chr19-49167917-TTCC-T. GRCh37 (hg19) VCF-style: chr19-49671174-TTCC-T.
Other names: p.Leu91del; c.269TCC[1], p.Leu91del (NM_001195227.2); c.-1105-339_-1105-337del (NM_001321282.2); c.268-632_268-630del (NM_001321281.2); c.-74-339_-74-337del (NM_001321283.2); c.-237-632_-237-630del (NM_001321285.2); c.272_274del (NM_017636.4); short protein forms L91del.
Identifiers: ClinVar variation 409636 (VCV000409636.10), dbSNP rs752261543, ClinGen allele CA9568772.
Genomic context (GRCh38, chr19:49,167,917, plus strand): 5'-TCCCCGTCTCTCTGGGTCTCTGTCCCCCTCCCTGTGTGCCCCGCTCCCATGTGTCCACAG[TTCC>T]TCCGGCTCTCTGACCGAACGGATCCAGCTGCAGTTTATAGTCTGGTCACACGCACATGGG-3'

ClinVar aggregate classification (germline): Conflicting classifications of pathogenicity. Review status: criteria provided, conflicting classifications (1 of 4 stars). 3 submissions from 3 submitters: Likely pathogenic (1); Uncertain significance (2). Last evaluated 2025-05-27.

Conditions:
Progressive familial heart block type IB (PFHB1B). Identifiers: Orphanet 871, MedGen C1970298, MONDO:0011474, OMIM 604559.

Submissions (3):

GeneDx
Classification: Uncertain significance. Last evaluated: 2025-05-27. Review status: criteria provided, single submitter. Criteria: GeneDx Variant Classification Process June 2021. Collection method: clinical testing. Allele origin: germline. Affected: yes.
Comment: Not observed at significant frequency in large population cohorts (gnomAD); In-frame deletion of 1 amino acid in a non-repeat region; In silico analysis supports a deleterious effect on protein structure/function; Has not been previously published as pathogenic or benign to our knowledge

Petrovsky National Research Centre of Surgery, The Federal Agency for Scientific Organizations
Classification: Likely pathogenic for Progressive familial heart block type IB. Last evaluated: 2024-12-16. Review status: criteria provided, single submitter. Criteria: ACMG Guidelines, 2015. Collection method: clinical testing. Allele origin: germline. Inheritance: Autosomal dominant inheritance. Affected: yes. Observed: 1 heterozygote.
Comment: ClinVar contains an entry for this variant (Variation ID: 409636). This variant is in The Genome Aggregation Database (gnomAD) v4.1.0 with total MAF 0.000007436 (Date of access 17-12-2024). Western blots and biotinylation experiments showed a significant loss of expression of the mutant channel compared to the wild type. Functional experiments using the patch clamp approach showed a drastic decrease in the TRPM4 current, supporting the biochemical observations (PMID: 41195386). Based on this evidence, we consider it to classify c.272_274del (p.Leu91del) as Likely Pathogenic.

Labcorp Genetics (formerly Invitae), Labcorp
Classification: Uncertain significance for Progressive familial heart block type IB. Last evaluated: 2024-06-30. Review status: criteria provided, single submitter. Criteria: Invitae Variant Classification Sherloc (09022015). Collection method: clinical testing. Allele origin: germline.
Comment: This variant, c.272_274del, results in the deletion of 1 amino acid(s) of the TRPM4 protein (p.Leu91del), but otherwise preserves the integrity of the reading frame. This variant is not present in population databases (gnomAD no frequency). This variant has not been reported in the literature in individuals affected with TRPM4-related conditions. ClinVar contains an entry for this variant (Variation ID: 409636). In summary, the available evidence is currently insufficient to determine the role of this variant in disease. Therefore, it has been classified as a Variant of Uncertain Significance.

Literature cited by the submitters: PubMed 41195386 (cited by Petrovsky National Research Centre of Surgery, The Federal Agency for Scientific Organizations).